The following is an entry in ClinVar:

ClinVar aggregate classification (germline): Likely pathogenic. Review status: criteria provided, single submitter (1 of 4 stars). 3 submissions from 3 submitters: Likely pathogenic (1). 2 of the submissions do not count toward it. Last evaluated 2025-01-27.

Conditions:
Congenital stationary night blindness 1B. Also called: NIGHT BLINDNESS, CONGENITAL STATIONARY, COMPLETE, AUTOSOMAL RECESSIVE; Night blindness, congenital stationary (complete), 1B, autosomal recessive. Identifiers: Orphanet 215, MedGen C1850362, MONDO:0009758, OMIM 257270.

Allele frequency attached by ClinVar (database versions not stated): gnomAD exomes 0.00001; TOPMed 0.00002; gnomAD 0.00003.

Submissions (3):

Labcorp Genetics (formerly Invitae), Labcorp
Classification: Likely pathogenic. Last evaluated: 2025-01-27. Review status: criteria provided, single submitter. Criteria: Invitae Variant Classification Sherloc (09022015). Collection method: clinical testing. Allele origin: germline.
Comment: This sequence change replaces glycine, which is neutral and non-polar, with serine, which is neutral and polar, at codon 150 of the GRM6 protein (p.Gly150Ser). This variant is present in population databases (rs62638202, gnomAD 0.007%). This missense change has been observed in individual(s) with congenital stationary night blindness (PMID: 15781871). In at least one individual the data is consistent with being in trans (on the opposite chromosome) from a pathogenic variant. ClinVar contains an entry for this variant (Variation ID: 5843). Invitae Evidence Modeling of protein sequence and biophysical properties (such as structural, functional, and spatial information, amino acid conservation, physicochemical variation, residue mobility, and thermodynamic stability) indicates that this missense variant is expected to disrupt GRM6 protein function with a positive predictive value of 95%. Experimental studies have shown that this missense change affects GRM6 function (PMID: 17405131). In summary, the currently available evidence indicates that the variant is pathogenic, but additional data are needed to prove that conclusively. Therefore, this variant has been classified as Likely Pathogenic.

OMIM
Classification: Pathogenic for NIGHT BLINDNESS, CONGENITAL STATIONARY, TYPE 1B. Last evaluated: 2005-03-29. Review status: no assertion criteria provided. Collection method: literature only. Allele origin: germline. Not counted in ClinVar's aggregate classification.

Retina International
No classification provided. Review status: no classification provided. Collection method: not provided. Allele origin: not provided. Not counted in ClinVar's aggregate classification.

Literature cited by the submitters: PubMed 15781871 (cited by Labcorp Genetics (formerly Invitae), Labcorp and OMIM); PubMed 17405131 (cited by Labcorp Genetics (formerly Invitae), Labcorp).

NM_000843.4(GRM6):c.448G>A (p.Gly150Ser)

Gene: GRM6 (glutamate metabotropic receptor 6; minus strand). Cytogenetic location: 5q35.3.
Variant type: single nucleotide variant.
Coding change: c.448G>A on transcript NM_000843.4 (MANE Select); coding-DNA position 448, G replaced by A.
Protein change: p.Gly150Ser; replaces glycine 150 with serine.
Molecular consequence: missense variant.
Genome position (GRCh38, 1-based): chr5:178,994,497, C>T on the plus strand (G>A on the coding strand, the complement: GRM6 is on the minus strand). VCF-style: chr5-178994497-C-T. GRCh37 (hg19) VCF-style: chr5-178421498-C-T.
Other names: short protein forms G150S.
Identifiers: ClinVar variation 5843 (VCV000005843.5), dbSNP rs62638202, ClinGen allele CA117804.